The following is an entry in ClinVar:

ClinVar aggregate classification (germline): Uncertain significance (1 of 4 stars; one submission).

Submission:

GeneDx
Classification: Uncertain significance. Last evaluated: 2026-02-11. Review status: criteria provided, single submitter. Criteria: GeneDx Variant Classification Process June 2021. Collection method: clinical testing. Allele origin: germline.
Comment: Not observed at significant frequency in large population cohorts (gnomAD); In silico analysis supports a deleterious effect on protein structure/function; Has not been previously published as pathogenic or benign to our knowledge

NM_001005273.3(CHD3):c.5338_5339delinsTA (p.Ala1780Tyr)

Gene: CHD3 (chromodomain helicase DNA binding protein 3; plus strand). Cytogenetic location: 17p13.1.
Variant type: Indel.
Coding change: c.5338_5339delinsTA on transcript NM_001005273.3 (MANE Select); coding-DNA positions 5338 to 5339, GC replaced by TA.
Protein change: p.Ala1780Tyr; replaces alanine 1780 with tyrosine.
Molecular consequence: missense variant.
Genome position (GRCh38, 1-based): chr17:7,908,773-7,908,774, GC replaced by TA. VCF-style: chr17-7908773-GC-TA. GRCh37 (hg19) VCF-style: chr17-7812091-GC-TA.
Other names: c.5515_5516delinsTA, p.Ala1839Tyr (NM_001005271.3, NM_001437504.1); c.5503_5504delinsTA, p.Ala1835Tyr (NM_001437507.1); c.5401_5402delinsTA, p.Ala1801Tyr (NM_001437508.1); c.5506_5507delinsTA, p.Ala1836Tyr (NM_001437509.1); c.5236_5237delinsTA, p.Ala1746Tyr (NM_005852.4); short protein forms A1746Y, A1801Y, A1836Y, A1780Y, A1835Y, A1839Y.
Identifiers: ClinVar variation 5009835 (VCV005009835.1).